The following is an entry in ClinVar:

ClinVar aggregate classification (germline): Conflicting classifications of pathogenicity. Review status: criteria provided, conflicting classifications (1 of 4 stars). 7 submissions from 7 submitters: Likely pathogenic (6); Uncertain significance (1). Last evaluated 2025-05-13.

Conditions:
DDX41-related hematologic malignancy predisposition syndrome. Also called: Myeloproliferative/lymphoproliferative neoplasms, familial (multiple types), susceptibility to; DDX41-Associated Familial Myelodysplastic Syndrome and Acute Myeloid Leukemia. Identifiers: Orphanet 488647, MedGen C4225174, MONDO:0014809, OMIM 616871.
Inborn genetic diseases. Identifiers: MedGen C0950123, MeSH D030342.

Allele frequency attached by ClinVar (database versions not stated): gnomAD exomes below 0.00001; gnomAD 0.00002; TOPMed 0.00002.

Submissions (7):

Saint-Louis Hospital, Assistance Publique Hôpitaux de Paris
Classification: Likely pathogenic for DDX41-related hematologic malignancy predisposition syndrome. Last evaluated: 2025-05-13. Review status: criteria provided, single submitter. Criteria: ACMG Guidelines, 2015. Collection method: clinical testing. Allele origin: germline. Affected: yes.
Comment: The variant DDX41 (NM_016222.4):NM_016222.4:c.773C>T:p.(Pro258Leu) is very rare in control population database. It is predicted to have a deleterious effect according to several computanional algortihms. It has been reported in individuals with suspected or confirmed predisposition to myeloid malignancies (PMID: 30407884, 31256854, 33850299, 34492705, 35671390, 35844724).

Ambry Genetics
Classification: Uncertain significance for Inborn genetic diseases. Last evaluated: 2025-02-18. Review status: criteria provided, single submitter. Criteria: Ambry Variant Classification Scheme 2023. Collection method: clinical testing. Allele origin: germline.
Comment: The p.P258L variant (also known as c.773C>T), located in coding exon 8 of the DDX41 gene, results from a C to T substitution at nucleotide position 773. The proline at codon 258 is replaced by leucine, an amino acid with similar properties. This variant was reported in individual(s) with features consistent with DDX41-related hematologic malignancy predisposition syndrome (Singhal D et al. Leukemia, 2021 Nov;35:3245-3256; Badar T et al. Haematologica, 2023 Nov;108:3033-3043; Molteni E et al. Blood, 2023 Aug;142:643-657; Nanaa A et al. Br J Haematol, 2024 Jan;204:171-176). This amino acid position is highly conserved in available vertebrate species. In addition, this alteration is predicted to be deleterious by in silico analysis. Based on the available evidence, the clinical significance of this variant remains unclear.

Labcorp Genetics (formerly Invitae), Labcorp
Classification: Likely pathogenic. Last evaluated: 2024-01-27. Review status: criteria provided, single submitter. Criteria: Invitae Variant Classification Sherloc (09022015). Collection method: clinical testing. Allele origin: germline.
Comment: This sequence change replaces proline, which is neutral and non-polar, with leucine, which is neutral and non-polar, at codon 258 of the DDX41 protein (p.Pro258Leu). This variant is not present in population databases (gnomAD no frequency). This missense change has been observed in individuals with DDX41-related hematologic malignancies (PMID: 30407884, 31256854, 33850299, 34492705, 35671390, 35844724; Invitae). ClinVar contains an entry for this variant (Variation ID: 1338483). An algorithm developed to predict the effect of missense changes on protein structure and function (PolyPhen-2) suggests that this variant is likely to be disruptive. In summary, the currently available evidence indicates that the variant is pathogenic, but additional data are needed to prove that conclusively. Therefore, this variant has been classified as Likely Pathogenic.

GeneDx
Classification: Likely pathogenic. Last evaluated: 2024-01-21. Review status: criteria provided, single submitter. Criteria: GeneDx Variant Classification Process June 2021. Collection method: clinical testing. Allele origin: germline. Affected: yes.
Comment: Not observed at significant frequency in large population cohorts (gnomAD); In silico analysis supports that this missense variant has a deleterious effect on protein structure/function; This variant is associated with the following publications: (PMID: 30407884, 31256854, 33850299, Zhang[case report], 27721487, 37506341, 35671390, 37199125, 36672294, 37216690, 34492705, 37317927)

Baylor Genetics
Classification: Likely pathogenic for DDX41-related hematologic malignancy predisposition syndrome. Last evaluated: 2023-07-14. Review status: criteria provided, single submitter. Criteria: ACMG Guidelines, 2015. Collection method: clinical testing. Allele origin: unknown.

Genetic Services Laboratory, University of Chicago
Classification: Likely pathogenic. Last evaluated: 2019-02-04. Review status: criteria provided, single submitter. Criteria: ACMG Guidelines, 2015. Collection method: clinical testing. Allele origin: germline. Affected: yes.
Comment: DNA sequence analysis of the DDX41 gene demonstrated a sequence change, c.773C>T, in exon 8 that results in an amino acid change, p.Pro258Leu. This sequence change does not appear to have been previously described in patients with DDX41-related disorders and has been described in the gnomAD database with a very low population frequency of 0.0004% (present in a single individual). The p.Pro258Leu change affects a highly conserved amino acid residue located in the DNA DEAD box domain of the DDX41 protein that is known to be functional, and where other missense pathogenic sequence changes have been previously reported (PMIDs: 26712909, 26944477). The p.Pro258Leu substitution appears to be deleterious using several in-silico pathogenicity prediction tools (SIFT, PolyPhen2, Align GVGD, REVEL). Based on the available evidence, the p.Pro258Leu change is likely pathogenic; however, functional studies have not been performed to prove this conclusively.

Juno Genomics, Hangzhou Juno Genomics, Inc
Classification: Likely pathogenic for DDX41-related hematologic malignancy predisposition syndrome. Review status: criteria provided, single submitter. Criteria: ACMG Guidelines, 2015. Collection method: clinical testing. Allele origin: germline.
Comment: Absent from controls (or at extremely low frequency if recessive) in Genome Aggregation Database.;Missense variant in a gene that has a low rate of benign missense variation.;The prevalence of the variant in affected individuals is significantly increased compared to the prevalence in controls.

Literature cited by the submitters: PubMed 30407884 (cited by Saint-Louis Hospital, Assistance Publique Hôpitaux de Paris and Labcorp Genetics (formerly Invitae), Labcorp); PubMed 31256854 (cited by Saint-Louis Hospital, Assistance Publique Hôpitaux de Paris and Labcorp Genetics (formerly Invitae), Labcorp); PubMed 33850299 (cited by 3 submitters); PubMed 34492705 (cited by Saint-Louis Hospital, Assistance Publique Hôpitaux de Paris and Labcorp Genetics (formerly Invitae), Labcorp); PubMed 35671390 (cited by 3 submitters); PubMed 35844724 (cited by 3 submitters); PubMed 37199125 (cited by Ambry Genetics); PubMed 37216690 (cited by Ambry Genetics); PubMed 37710381 (cited by Ambry Genetics); PubMed 38016923 (cited by Ambry Genetics).

NM_016222.4(DDX41):c.773C>T (p.Pro258Leu)

Gene: DDX41 (DEAD-box helicase 41; minus strand). Cytogenetic location: 5q35.3.
Variant type: single nucleotide variant.
Coding change: c.773C>T on transcript NM_016222.4 (MANE Select); coding-DNA position 773, C replaced by T.
Protein change: p.Pro258Leu; replaces proline 258 with leucine.
Molecular consequence: missense variant.
Genome position (GRCh38, 1-based): chr5:177,514,941, G>A on the plus strand (C>T on the coding strand, the complement: DDX41 is on the minus strand). VCF-style: chr5-177514941-G-A. GRCh37 (hg19) VCF-style: chr5-176941942-G-A.
Other names: c.395C>T, p.Pro132Leu (NM_001321732.2, NM_001321830.2); short protein forms P132L, P258L.
Identifiers: ClinVar variation 1338483 (VCV001338483.15), dbSNP rs1289634533, ClinGen allele CA362375111.